The following is an entry in ClinVar:

ClinVar aggregate classification (germline): Pathogenic. Review status: criteria provided, multiple submitters, no conflicts (2 of 4 stars). 3 submissions from 3 submitters: Pathogenic (3). Last evaluated 2025-08-26.

Conditions:
CYB5R3-related disorders.
Deficiency of cytochrome-b5 reductase. Also called: METHEMOGLOBINEMIA, CONGENITAL, AUTOSOMAL RECESSIVE; NADH-DEPENDENT METHEMOGLOBIN REDUCTASE DEFICIENCY. Identifiers: Orphanet 621, MedGen C0268193, MONDO:0009606, OMIM 250800.

gnomAD v4.1: 20 of 1,551,586 alleles (0.0013%); highest among the groups gnomAD compares: Non-Finnish European, 0.0017%; no homozygotes.

Submissions (3):

Labcorp Genetics (formerly Invitae), Labcorp
Classification: Pathogenic. Last evaluated: 2025-08-26. Review status: criteria provided, single submitter. Criteria: Invitae Variant Classification Sherloc (09022015). Collection method: clinical testing. Allele origin: germline.
Comment: This sequence change replaces arginine, which is basic and polar, with proline, which is neutral and non-polar, at codon 58 of the CYB5R3 protein (p.Arg58Pro). This variant is present in population databases (no rsID available, gnomAD 0.002%). This missense change has been observed in individuals with methemoglobinemia (PMID: 22627575). Invitae Evidence Modeling of protein sequence and biophysical properties (such as structural, functional, and spatial information, amino acid conservation, physicochemical variation, residue mobility, and thermodynamic stability) indicates that this missense variant is expected to disrupt CYB5R3 protein function with a positive predictive value of 95%. This variant disrupts the p.Arg58 amino acid residue in CYB5R3. Other variant(s) that disrupt this residue have been determined to be pathogenic (PMID: 1707593, 24266649). This suggests that this residue is clinically significant, and that variants that disrupt this residue are likely to be disease-causing. For these reasons, this variant has been classified as Pathogenic.

Victorian Clinical Genetics Services, Murdoch Childrens Research Institute
Classification: Pathogenic for Deficiency of cytochrome-b5 reductase. Last evaluated: 2025-04-28. Review status: criteria provided, single submitter. Criteria: ACMG Guidelines, 2015. Collection method: clinical testing. Allele origin: germline. Affected: yes.
Comment: This variant is classified as Pathogenic. Evidence in support of pathogenic classification: Variant is present in gnomAD <0.01 for a recessive condition (v4: 20 heterozygote(s), 0 homozygote(s)); This variant has limited previous evidence of pathogenicity in an unrelated individual. This variant has been reported in a compound heterozygous state in an individual with congenital methemoglobinemia (PMID: 22627575); Other missense variants comparable to the one identified in this case have very strong previous evidence for pathogenicity. The p.(Arg58Gln) variant has been classified as likely pathogenic by multiple clinical laboratories in ClinVar. It has also been reported in the literature in individuals with methemoglobinemia (PMIDs: 24266649, 31898843, 1400360, 1707593, 36984616). The p.(Arg58Trp) variant has also been reported in a homozygous state in two brothers with methemoglobinemia type 1 (PMID: 25058800); Missense variant predicted to be damaging by in silico tool(s) or highly conserved with a major amino acid change. Additional information: Variant is predicted to result in a missense amino acid change from arginine to proline; This variant is heterozygous; This gene is associated with autosomal recessive disease; Alternative amino acid change(s) at the same position are present in gnomAD (highest allele count: v4: 36 heterozygote(s), 1 homozygote(s)); No published segregation evidence has been identified for this variant; No published functional evidence has been identified for this variant; Variant is located in the annotated oxidoreductase FAD-binding domain (DECIPHER); Loss of function is a known mechanism of disease in this gene and is associated with methemoglobinemia due to deficiency of methemoglobin reductase (MONDO:0009606), CYB5R3-related; Heterozygous variant detected in trans with a second PATHOGENIC heterozygous variant (NM_000398.7(CYB5R3):c.226G>A; p.(Gly76Ser)) in a recessive disease.

Blueprint Genetics
Classification: Pathogenic for CYB5R3-related disorders. Last evaluated: 2023-01-10. Review status: criteria provided, single submitter. Criteria: ACMG Guidelines, 2015. Collection method: clinical testing. Allele origin: germline. Affected: yes. Observed: 3 variant alleles.

Literature cited by the submitters: PubMed 22627575 (cited by Labcorp Genetics (formerly Invitae), Labcorp and Victorian Clinical Genetics Services, Murdoch Childrens Research Institute); PubMed 1707593 (cited by Labcorp Genetics (formerly Invitae), Labcorp and Victorian Clinical Genetics Services, Murdoch Childrens Research Institute); PubMed 24266649 (cited by Labcorp Genetics (formerly Invitae), Labcorp and Victorian Clinical Genetics Services, Murdoch Childrens Research Institute); PubMed 36984616 (cited by Victorian Clinical Genetics Services, Murdoch Childrens Research Institute); PubMed 31898843 (cited by Victorian Clinical Genetics Services, Murdoch Childrens Research Institute); PubMed 25058800 (cited by Victorian Clinical Genetics Services, Murdoch Childrens Research Institute); PubMed 1400360 (cited by Victorian Clinical Genetics Services, Murdoch Childrens Research Institute).

NM_000398.7(CYB5R3):c.173G>C (p.Arg58Pro)

Gene: CYB5R3 (cytochrome b5 reductase 3; minus strand). Cytogenetic location: 22q13.2.
Variant type: single nucleotide variant.
Coding change: c.173G>C on transcript NM_000398.7 (MANE Select); coding-DNA position 173, G replaced by C.
Protein change: p.Arg58Pro; replaces arginine 58 with proline.
Molecular consequence: missense variant.
Genome position (GRCh38, 1-based): chr22:42,631,431, C>G on the plus strand (G>C on the coding strand, the complement: CYB5R3 is on the minus strand). VCF-style: chr22-42631431-C-G. GRCh37 (hg19) VCF-style: chr22-43027437-C-G.
Other names: c.104G>C, p.Arg35Pro (NM_001129819.2, NM_001171661.1, NM_007326.4); c.272G>C, p.Arg91Pro (NM_001171660.2); short protein forms R35P, R58P, R91P.
Identifiers: ClinVar variation 4531857 (VCV004531857.3).